The following is an entry in ClinVar:

ClinVar aggregate classification (germline): Pathogenic (1 of 4 stars; one submission).

Conditions:
Long QT syndrome (LQTS). Identifiers: MedGen C0023976, MeSH D008133, MONDO:0002442. Disease mechanism: loss of function. Inheritance: Various modes of inheritance.

Submission:

Labcorp Genetics (formerly Invitae), Labcorp
Classification: Pathogenic for Long QT syndrome. Last evaluated: 2024-09-25. Review status: criteria provided, single submitter. Criteria: Invitae Variant Classification Sherloc (09022015). Collection method: clinical testing. Allele origin: germline.
Comment: This sequence change creates a premature translational stop signal (p.Trp158*) in the KCNQ1 gene. It is expected to result in an absent or disrupted protein product. Loss-of-function variants in KCNQ1 are known to be pathogenic (PMID: 9323054, 19862833). This variant is not present in population databases (gnomAD no frequency). This variant has not been reported in the literature in individuals affected with KCNQ1-related conditions. For these reasons, this variant has been classified as Pathogenic.

Literature cited by the submitters: PubMed 9323054; PubMed 19862833.

NM_000218.3(KCNQ1):c.473G>A (p.Trp158Ter)

Gene: KCNQ1 (potassium voltage-gated channel subfamily Q member 1; plus strand). Cytogenetic location: 11p15.5.
Variant type: single nucleotide variant.
Coding change: c.473G>A on transcript NM_000218.3 (MANE Select); coding-DNA position 473, G replaced by A.
Protein change: p.Trp158Ter; replaces tryptophan 158 with a stop codon.
Molecular consequence: nonsense.
Genome position (GRCh38, 1-based): chr11:2,528,014, G>A. VCF-style: chr11-2528014-G-A. GRCh37 (hg19) VCF-style: chr11-2549244-G-A.
Other names: c.473G>A, p.Trp158Ter (NM_001406836.1, NM_001406838.1); c.203G>A, p.Trp68Ter (NM_001406837.1); c.92G>A, p.Trp31Ter (NM_181798.2); short protein forms W68*, W158*, W31*.
Identifiers: ClinVar variation 3659247 (VCV003659247.2).